The following is an entry in ClinVar:

NM_133642.5(LARGE1):c.409-65del

Gene: LARGE1 (LARGE xylosyl- and glucuronyltransferase 1; minus strand). Cytogenetic location: 22q12.3.
Variant type: Deletion.
Coding change: c.409-65del on transcript NM_133642.5 (MANE Select); 65 bases into the intron before coding-DNA position 409, one base deleted (C; older notation c.409-65delC).
Molecular consequence: intron variant.
Genome position (GRCh38, 1-based): chr22:33,626,391, G deleted on the plus strand (C on the coding strand, the reverse complement: LARGE1 is on the minus strand). VCF-style (leftmost placement, unchanged base first): chr22-33626390-AG-A. GRCh37 (hg19) VCF-style: chr22-34022374-AG-A.
Other names: c.409-65del (NM_001362953.2, NM_001362949.2, NM_001378627.1 and 7 more transcripts).
Identifiers: ClinVar variation 674628 (VCV000674628.1), dbSNP rs68171942, ClinGen allele CA323752375.

ClinVar aggregate classification (germline): Benign (1 of 4 stars; one submission).

Allele frequency attached by ClinVar (database versions not stated): 1000 Genomes Project 0.04213; 1000 Genomes Project 30x 0.04388; gnomAD exomes 0.06513; TOPMed 0.07060; gnomAD 0.07202 and 0.07537.

Submission:

GeneDx
Classification: Benign. Last evaluated: 2018-06-19. Review status: criteria provided, single submitter. Criteria: GeneDx Variant Classification (06012015). Collection method: clinical testing. Allele origin: germline. Affected: yes.
Comment: This variant is considered likely benign or benign based on one or more of the following criteria: it is a conservative change, it occurs at a poorly conserved position in the protein, it is predicted to be benign by multiple in silico algorithms, and/or has population frequency not consistent with disease.